The following is an entry in ClinVar:

NM_005188.4(CBL):c.93C>A (p.Asp31Glu)

Genes: CBL (Cbl proto-oncogene; plus strand), LOC130006895 (ATAC-STARR-seq lymphoblastoid silent region 3975; plus strand). Cytogenetic location: 11q23.3.
Variant type: single nucleotide variant.
Coding change: c.93C>A on transcript NM_005188.4 (MANE Select); coding-DNA position 93, C replaced by A.
Protein change: p.Asp31Glu; replaces aspartic acid 31 with glutamic acid.
Molecular consequence: missense variant.
Genome position (GRCh38, 1-based): chr11:119,206,510, C>A. VCF-style: chr11-119206510-C-A. GRCh37 (hg19) VCF-style: chr11-119077220-C-A.
Other names: c.93C>A (NM_005188.2); short protein forms D31E.
Identifiers: ClinVar variation 488171 (VCV000488171.11), dbSNP rs376679438, ClinGen allele CA6318224.
Genomic context (GRCh38, chr11:119,206,510, plus strand): 5'-CGGGGGCGGCAGCGGCTCCGGGGGCTCGGGTTCGGGTGGCCTGATTGGGCTCATGAAGGA[C>A]GCCTTCCAGCCGCACCACCACCACCACCACCACCTCAGCCCCCACCCGCCGGGGACGGTG-3'
Protein context (NP_005179.2, residues 21-41): GSGGLIGLMK[Asp31Glu]AFQPHHHHHH

ClinVar aggregate classification (germline): Uncertain significance. Review status: criteria provided, multiple submitters, no conflicts (2 of 4 stars). 6 submissions from 6 submitters: Uncertain significance (6). Last evaluated 2025-11-28.

Conditions:
Juvenile myelomonocytic leukemia (JMML). Also called: LEUKEMIA, JUVENILE MYELOMONOCYTIC, SOMATIC. Identifiers: Orphanet 86834, MedGen C0349639, MONDO:0011908, OMIM 607785, HP:0012209.
CBL-related disorder. Also called: CBL MUTATION-ASSOCIATED SYNDROME; CBL SYNDROME; NOONAN SYNDROME-LIKE DISORDER WITHOUT JUVENILE MYELOMONOCYTIC LEUKEMIA. Identifiers: Orphanet 363972, MedGen C3150803, MONDO:0013308, OMIM 613563.
RASopathy. Also called: rasopathies; Noonan spectrum disorder. Identifiers: Orphanet 536391, MedGen C5555857, MONDO:0021060.

Allele frequency attached by ClinVar (database versions not stated): gnomAD 0.00001; TOPMed 0.00001; ExAC 0.00004; ESP Exome Variant Server 0.00008.
gnomAD v4.1: 42 of 1,562,144 alleles (0.0027%); highest among the groups gnomAD compares: Non-Finnish European, 0.0036%; no homozygotes.

Submissions (6):

Women's Health and Genetics/Laboratory Corporation of America, LabCorp
Classification: Uncertain significance. Last evaluated: 2025-11-28. Review status: criteria provided, single submitter. Criteria: LabCorp Variant Classification Summary - May 2015. Collection method: clinical testing. Allele origin: germline.

Labcorp Genetics (formerly Invitae), Labcorp
Classification: Uncertain significance for RASopathy. Last evaluated: 2025-10-14. Review status: criteria provided, single submitter. Criteria: Invitae Variant Classification Sherloc (09022015). Collection method: clinical testing. Allele origin: germline.
Comment: This sequence change replaces aspartic acid, which is acidic and polar, with glutamic acid, which is acidic and polar, at codon 31 of the CBL protein (p.Asp31Glu). The frequency data for this variant in the population databases is considered unreliable, as metrics indicate poor data quality at this position in the gnomAD database. This variant has not been reported in the literature in individuals affected with CBL-related conditions. ClinVar contains an entry for this variant (Variation ID: 488171). Invitae Evidence Modeling of protein sequence and biophysical properties (such as structural, functional, and spatial information, amino acid conservation, physicochemical variation, residue mobility, and thermodynamic stability) indicates that this missense variant is not expected to disrupt CBL protein function with a negative predictive value of 95%. In summary, the available evidence is currently insufficient to determine the role of this variant in disease. Therefore, it has been classified as a Variant of Uncertain Significance.

Blueprint Genetics
Classification: Uncertain significance. Last evaluated: 2022-05-09. Review status: criteria provided, single submitter. Criteria: ACMG Guidelines, 2015. Collection method: clinical testing. Allele origin: germline.

Fulgent Genetics
Classification: Uncertain significance for Juvenile myelomonocytic leukemia; CBL-related disorder. Last evaluated: 2021-08-20. Review status: criteria provided, single submitter. Criteria: ACMG Guidelines, 2015. Collection method: clinical testing. Allele origin: unknown.

GeneDx
Classification: Uncertain significance. Last evaluated: 2019-05-16. Review status: criteria provided, single submitter. Criteria: GeneDx Variant Classification Process June 2021. Collection method: clinical testing. Allele origin: germline. Affected: yes.
Comment: In silico analysis supports that this missense variant does not alter protein structure/function; Has not been previously published as pathogenic or benign to our knowledge; Reliable data are not available in large population cohorts to assess the frequency of this variant in publicly available databases

Phosphorus, Inc.
Classification: Uncertain significance for CBL-related disorder. Last evaluated: 2017-08-01. Review status: criteria provided, single submitter. Criteria: ACMG Guidelines, 2015. Collection method: clinical testing. Allele origin: germline. Observed: 1 variant allele.